The following is an entry in ClinVar:

ClinVar aggregate classification (germline): Uncertain significance (1 of 4 stars; one submission).

Submission:

GeneDx
Classification: Uncertain significance. Last evaluated: 2022-10-17. Review status: criteria provided, single submitter. Criteria: GeneDx Variant Classification Process June 2021. Collection method: clinical testing. Allele origin: germline. Affected: yes.
Comment: Not observed at significant frequency in large population cohorts (gnomAD); In silico analysis supports that this missense variant does not alter protein structure/function; Has not been previously published as pathogenic or benign to our knowledge

NM_001379451.1(BCORL1):c.2290G>T (p.Ala764Ser)

Gene: BCORL1 (BCL6 corepressor like 1; plus strand). Cytogenetic location: Xq26.1.
Variant type: single nucleotide variant.
Coding change: c.2290G>T on transcript NM_001379451.1 (MANE Select); coding-DNA position 2290, G replaced by T.
Protein change: p.Ala764Ser; replaces alanine 764 with serine.
Molecular consequence: missense variant.
Genome position (GRCh38, 1-based): chrX:130,015,062, G>T. VCF-style: chrX-130015062-G-T. GRCh37 (hg19) VCF-style: chrX-129149038-G-T.
Other names: c.2290G>T, p.Ala764Ser (NM_001184772.3, NM_001379450.1, NM_021946.5); short protein forms A764S.
Identifiers: ClinVar variation 2499383 (VCV002499383.1), dbSNP rs1225386894, ClinGen allele CA414589613.